The following is an entry in ClinVar:

NM_005413.4(SIX3):c.865C>A (p.Pro289Thr)

Gene: SIX3 (SIX homeobox 3; plus strand). Cytogenetic location: 2p21.
Variant type: single nucleotide variant.
Coding change: c.865C>A on transcript NM_005413.4 (MANE Select); coding-DNA position 865, C replaced by A.
Protein change: p.Pro289Thr; replaces proline 289 with threonine.
Molecular consequence: missense variant.
Genome position (GRCh38, 1-based): chr2:44,944,626, C>A. VCF-style: chr2-44944626-C-A. GRCh37 (hg19) VCF-style: chr2-45171765-C-A.
Other names: short protein forms P289T.
Identifiers: ClinVar variation 2628847 (VCV002628847.2), dbSNP rs1357166419, ClinGen allele CA346800544.

ClinVar aggregate classification (germline): Uncertain significance. Review status: criteria provided, multiple submitters, no conflicts (2 of 4 stars). 2 submissions from 2 submitters: Uncertain significance (2). Last evaluated 2025-10-18.

Conditions:
SIX3-related disorder. Also called: SIX3-related condition; SIX3-Related Disorders.
Inborn genetic diseases. Identifiers: MedGen C0950123, MeSH D030342.

Allele frequency attached by ClinVar (database versions not stated): gnomAD exomes below 0.00001; TOPMed below 0.00001; gnomAD 0.00001.
gnomAD v4.1: 3 of 1,575,782 alleles (0.00019%); highest among the groups gnomAD compares: Non-Finnish European, 0.00026%; no homozygotes.

Submissions (2):

Ambry Genetics
Classification: Uncertain significance for Inborn genetic diseases. Last evaluated: 2025-10-18. Review status: criteria provided, single submitter. Criteria: Ambry Variant Classification Scheme 2023. Collection method: clinical testing. Allele origin: germline.

PreventionGenetics, part of Exact Sciences
Classification: Uncertain significance for SIX3-related condition. Last evaluated: 2023-08-15. Review status: criteria provided, single submitter. Criteria: ACMG Guidelines, 2015. Collection method: clinical testing. Allele origin: germline.
Comment: The SIX3 c.865C>A variant is predicted to result in the amino acid substitution p.Pro289Thr. To our knowledge, this variant has not been reported in the literature or in a large population database, indicating this variant is rare. At this time, the clinical significance of this variant is uncertain due to the absence of conclusive functional and genetic evidence.